The following is an entry in ClinVar:

ClinVar aggregate classification (germline): Uncertain significance (1 of 4 stars; one submission).

Submission:

GeneDx
Classification: Uncertain significance. Last evaluated: 2026-02-18. Review status: criteria provided, single submitter. Criteria: GeneDx Variant Classification Process June 2021. Collection method: clinical testing. Allele origin: germline.
Comment: Not observed at significant frequency in large population cohorts (gnomAD); In silico analysis supports that this missense variant has a deleterious effect on protein structure/function; Has not been previously published as pathogenic or benign to our knowledge

NM_006445.4(PRPF8):c.3878A>T (p.Asn1293Ile)

Gene: PRPF8 (pre-mRNA processing factor 8; minus strand). Cytogenetic location: 17p13.3.
Variant type: single nucleotide variant.
Coding change: c.3878A>T on transcript NM_006445.4 (MANE Select); coding-DNA position 3878, A replaced by T.
Protein change: p.Asn1293Ile; replaces asparagine 1293 with isoleucine.
Molecular consequence: missense variant.
Genome position (GRCh38, 1-based): chr17:1,662,050, T>A on the plus strand (A>T on the coding strand, the complement: PRPF8 is on the minus strand). VCF-style: chr17-1662050-T-A. GRCh37 (hg19) VCF-style: chr17-1565344-T-A.
Other names: short protein forms N1293I.
Identifiers: ClinVar variation 4975981 (VCV004975981.1).